The following is an entry in ClinVar:

NC_000016.9:g.(?_9892114)_(10032428_?)dup

Gene: GRIN2A (glutamate ionotropic receptor NMDA type subunit 2A; minus strand). Cytogenetic location: 16p13.2.
Variant type: Duplication.
Identifiers: ClinVar variation 3243417 (VCV003243417.1).

ClinVar aggregate classification (germline): Likely pathogenic (1 of 4 stars; one submission).

Conditions:
Landau-Kleffner syndrome (FESD). Also called: EPILEPSY, FOCAL, WITH SPEECH DISORDER AND WITH OR WITHOUT MENTAL RETARDATION; APHASIA, ACQUIRED, WITH EPILEPSY. Identifiers: Orphanet 1945, Orphanet 725, Orphanet 98818, MedGen C0282512, MONDO:0009509, OMIM 245570.

Submission:

Labcorp Genetics (formerly Invitae), Labcorp
Classification: Likely pathogenic for Landau-Kleffner syndrome. Last evaluated: 2023-08-16. Review status: criteria provided, single submitter. Criteria: Invitae Variant Classification Sherloc (09022015). Collection method: clinical testing. Allele origin: unknown.
Comment: This variant results in a copy number gain of the genomic region encompassing exon(s) 4-12 of the GRIN2A gene. While the exact position of this variant cannot be determined from the data, sub-genic copy number gains are generally in tandem (PMID: 25640679). This variant is predicted to be out-of-frame, and may result in an absent or disrupted protein product. Loss-of-function variants in GRIN2A are known to be pathogenic (PMID: 23933819, 23933820). In summary, the currently available evidence indicates that the variant is pathogenic, but additional data are needed to prove that conclusively. Therefore, this variant has been classified as Likely Pathogenic. A similar copy number variant has been observed in individual(s) with clinical features of GRIN2A-related conditions (Invitae).

Literature cited by the submitters: PubMed 25640679; PubMed 23933819; PubMed 23933820.